The following is an entry in ClinVar:

ClinVar aggregate classification (germline): Uncertain significance (1 of 4 stars; one submission).

Conditions:
Primary ciliary dyskinesia. Also called: Ciliary dyskinesia. Identifiers: Orphanet 244, MedGen C0008780, MONDO:0016575, HP:0012265.

Allele frequency attached by ClinVar (database versions not stated): gnomAD exomes below 0.00001; gnomAD 0.00001.
gnomAD v4.1: 4 of 1,614,144 alleles (0.00025%); highest among the groups gnomAD compares: Admixed American, 0.005%; no homozygotes.

Submission:

Labcorp Genetics (formerly Invitae), Labcorp
Classification: Uncertain significance for Primary ciliary dyskinesia. Last evaluated: 2021-08-20. Review status: criteria provided, single submitter. Criteria: Invitae Variant Classification Sherloc (09022015). Collection method: clinical testing. Allele origin: germline.
Comment: This sequence change replaces lysine with glutamic acid at codon 3275 of the DNAH5 protein (p.Lys3275Glu). The lysine residue is moderately conserved and there is a small physicochemical difference between lysine and glutamic acid. This variant is not present in population databases (ExAC no frequency). This variant has not been reported in the literature in individuals affected with DNAH5-related conditions. Algorithms developed to predict the effect of missense changes on protein structure and function are either unavailable or do not agree on the potential impact of this missense change (SIFT: "Tolerated"; PolyPhen-2: "Possibly Damaging"; Align-GVGD: "Class C0"). In summary, the available evidence is currently insufficient to determine the role of this variant in disease. Therefore, it has been classified as a Variant of Uncertain Significance.

NM_001369.3(DNAH5):c.9823A>G (p.Lys3275Glu)

Gene: DNAH5 (dynein axonemal heavy chain 5; minus strand). Cytogenetic location: 5p15.2.
Variant type: single nucleotide variant.
Coding change: c.9823A>G on transcript NM_001369.3 (MANE Select); coding-DNA position 9823, A replaced by G.
Protein change: p.Lys3275Glu; replaces lysine 3275 with glutamic acid.
Molecular consequence: missense variant.
Genome position (GRCh38, 1-based): chr5:13,769,034, T>C on the plus strand (A>G on the coding strand, the complement: DNAH5 is on the minus strand). VCF-style: chr5-13769034-T-C. GRCh37 (hg19) VCF-style: chr5-13769143-T-C.
Other names: short protein forms K3275E.
Identifiers: ClinVar variation 576158 (VCV000576158.14), dbSNP rs1172460177, ClinGen allele CA359201830.
Genomic context (GRCh38, chr5:13,769,034, plus strand): 5'-CTGCCTCTTCTAAAGCTGGTTTTGCTGCTTCCAGTTTTTCTTCAGCAATGGCTTTGTCTT[T>C]AGAGATGCTGTCCACAATGGCCTGGGCCCTGTCCTTCACCTTCTGTACCTCAGCCTTGAC-3'
Protein context (NP_001360.1, residues 3265-3285): RAQAIVDSIS[Lys3275Glu]DKAIAEEKLE